The following is an entry in ClinVar:

NM_005862.3(STAG1):c.2869C>T (p.Arg957Cys)

Gene: STAG1 (STAG1 cohesin complex component; minus strand). Cytogenetic location: 3q22.3.
Variant type: single nucleotide variant.
Coding change: c.2869C>T on transcript NM_005862.3 (MANE Select); coding-DNA position 2869, C replaced by T.
Protein change: p.Arg957Cys; replaces arginine 957 with cysteine.
Molecular consequence: missense variant.
Genome position (GRCh38, 1-based): chr3:136,359,215, G>A on the plus strand (C>T on the coding strand, the complement: STAG1 is on the minus strand). VCF-style: chr3-136359215-G-A. GRCh37 (hg19) VCF-style: chr3-136078057-G-A.
Other names: short protein forms R957C.
Identifiers: ClinVar variation 4082612 (VCV004082612.2).

ClinVar aggregate classification (germline): Uncertain significance (1 of 4 stars; one submission).

gnomAD v4.1: 1 of 1,613,838 alleles (0.000062%); highest among the groups gnomAD compares: African/African-American, 0.0013%; no homozygotes.

Submission:

GeneDx
Classification: Uncertain significance. Last evaluated: 2026-07-10. Review status: criteria provided, single submitter. Criteria: GeneDx Variant Classification Process June 2021. Collection method: clinical testing. Allele origin: germline.
Comment: Not observed at significant frequency in large population cohorts (gnomAD); In silico analysis supports that this missense variant has a deleterious effect on protein structure/function; Has not been previously published as pathogenic or benign to our knowledge